The following is an entry in ClinVar:

ClinVar aggregate classification (germline): Uncertain significance (1 of 4 stars; one submission).

Allele frequency attached by ClinVar (database versions not stated): gnomAD exomes 0.00001; TOPMed 0.00001; gnomAD 0.00002.
gnomAD v4.1: 10 of 1,610,702 alleles (0.00062%); highest among the groups gnomAD compares: Admixed American, 0.005%; no homozygotes.

Submission:

Labcorp Genetics (formerly Invitae), Labcorp
Classification: Uncertain significance. Last evaluated: 2022-08-11. Review status: criteria provided, single submitter. Criteria: Invitae Variant Classification Sherloc (09022015). Collection method: clinical testing. Allele origin: germline.
Comment: In summary, the available evidence is currently insufficient to determine the role of this variant in disease. Therefore, it has been classified as a Variant of Uncertain Significance. Algorithms developed to predict the effect of missense changes on protein structure and function are either unavailable or do not agree on the potential impact of this missense change (SIFT: "Deleterious"; PolyPhen-2: "Probably Damaging"; Align-GVGD: "Class C15"). This variant has not been reported in the literature in individuals affected with NBAS-related conditions. This variant is present in population databases (no rsID available, gnomAD 0.1%). This sequence change replaces leucine, which is neutral and non-polar, with phenylalanine, which is neutral and non-polar, at codon 1530 of the NBAS protein (p.Leu1530Phe).

NM_015909.4(NBAS):c.4590G>T (p.Leu1530Phe)

Gene: NBAS (NBAS subunit of NRZ tethering complex; minus strand). Cytogenetic location: 2p24.3.
Variant type: single nucleotide variant.
Coding change: c.4590G>T on transcript NM_015909.4 (MANE Select); coding-DNA position 4590, G replaced by T.
Protein change: p.Leu1530Phe; replaces leucine 1530 with phenylalanine.
Molecular consequence: missense variant. On other transcripts: non-coding transcript variant (1).
Genome position (GRCh38, 1-based): chr2:15,309,240, C>A on the plus strand (G>T on the coding strand, the complement: NBAS is on the minus strand). VCF-style: chr2-15309240-C-A. GRCh37 (hg19) VCF-style: chr2-15449364-C-A.
Other names: short protein forms L1530F.
Identifiers: ClinVar variation 1988498 (VCV001988498.2), dbSNP rs1468971046, ClinGen allele CA345893785.